The following is an entry in ClinVar:

NM_000815.5(GABRD):c.367G>A (p.Asp123Asn)

Gene: GABRD (gamma-aminobutyric acid type A receptor subunit delta; plus strand). Cytogenetic location: 1p36.33.
Variant type: single nucleotide variant.
Coding change: c.367G>A on transcript NM_000815.5 (MANE Select); coding-DNA position 367, G replaced by A.
Protein change: p.Asp123Asn; replaces aspartic acid 123 with asparagine.
Molecular consequence: missense variant.
Genome position (GRCh38, 1-based): chr1:2,025,635, G>A. VCF-style: chr1-2025635-G-A. GRCh37 (hg19) VCF-style: chr1-1957074-G-A.
Other names: short protein forms D123N.
Identifiers: ClinVar variation 862458 (VCV000862458.7), dbSNP rs1658901832, ClinGen allele CA337957233.
Genomic context (GRCh38, chr1:2,025,635, plus strand): 5'-AACCACACCAACGAGACCCTGGGTCTGGACAGCCGCTTCGTGGACAAGCTGTGGCTGCCC[G>A]ACACCTTCATCGTGAACGCCAAGTCGGCCTGGTTCCACGACGTGACGGTGGAGAACAAGC-3'
Protein context (NP_000806.2, residues 113-133): SRFVDKLWLP[Asp123Asn]TFIVNAKSAW

ClinVar aggregate classification (germline): Uncertain significance (1 of 4 stars; one submission).

Conditions:
Idiopathic generalized epilepsy. Also called: Generalised epilepsy; EIG. Identifiers: MedGen C0270850, MONDO:0005579, OMIM 600669.

Allele frequency attached by ClinVar (database versions not stated): gnomAD exomes 0.00001; gnomAD 0.00001.

Submission:

Labcorp Genetics (formerly Invitae), Labcorp
Classification: Uncertain significance for Idiopathic generalized epilepsy. Last evaluated: 2024-02-23. Review status: criteria provided, single submitter. Criteria: Invitae Variant Classification Sherloc (09022015). Collection method: clinical testing. Allele origin: germline.
Comment: This sequence change replaces aspartic acid, which is acidic and polar, with asparagine, which is neutral and polar, at codon 123 of the GABRD protein (p.Asp123Asn). This variant is not present in population databases (gnomAD no frequency). This variant has not been reported in the literature in individuals affected with GABRD-related conditions. ClinVar contains an entry for this variant (Variation ID: 862458). An algorithm developed to predict the effect of missense changes on protein structure and function (PolyPhen-2) suggests that this variant is likely to be disruptive. In summary, the available evidence is currently insufficient to determine the role of this variant in disease. Therefore, it has been classified as a Variant of Uncertain Significance.